The following is an entry in ClinVar:

NM_000088.4(COL1A1):c.2668-1G>T

Gene: COL1A1 (collagen type I alpha 1 chain; minus strand). Cytogenetic location: 17q21.33.
Variant type: single nucleotide variant.
Coding change: c.2668-1G>T on transcript NM_000088.4 (MANE Select); the canonical splice acceptor site of the intron before coding-DNA position 2668, G replaced by T.
Molecular consequence: splice acceptor variant.
Genome position (GRCh38, 1-based): chr17:50,189,539, C>A on the plus strand (G>T on the coding strand, the complement: COL1A1 is on the minus strand). VCF-style: chr17-50189539-C-A. GRCh37 (hg19) VCF-style: chr17-48266900-C-A.
Identifiers: ClinVar variation 1371584 (VCV001371584.9), dbSNP rs1114167394, ClinGen allele CA400206114.
Genomic context (GRCh38, chr17:50,189,539, plus strand): 5'-GGGACCTTTGCCGCCTTCTTTGCCAGCAGGACCAGGAGGGCCAGGGGGTCCAGCATTTCC[C>A]TGGATGAGGATAGGAGGGGCTGTCAGACTCCAGGGGGCTCTGGTGCATCATTGGGTCCTC-3'

ClinVar aggregate classification (germline): Pathogenic (1 of 4 stars; one submission).

Conditions:
Osteogenesis imperfecta type I (OI1). Also called: Lobstein's Disease; OI, TYPE I; OSTEOGENESIS IMPERFECTA TARDA; OSTEOGENESIS IMPERFECTA WITH BLUE SCLERAE; Osteogenesis imperfecta type 1; Lobstein disease. Identifiers: Orphanet 216796, Orphanet 666, MedGen C0023931, MONDO:0008146, OMIM 166200. Disease mechanism: loss of function.

Submission:

Labcorp Genetics (formerly Invitae), Labcorp
Classification: Pathogenic for Osteogenesis imperfecta type I. Last evaluated: 2021-05-01. Review status: criteria provided, single submitter. Criteria: Invitae Variant Classification Sherloc (09022015). Collection method: clinical testing. Allele origin: germline.
Comment: For these reasons, this variant has been classified as Pathogenic. Algorithms developed to predict the effect of sequence changes on RNA splicing suggest that this variant may disrupt the consensus splice site, but this prediction has not been confirmed by published transcriptional studies. This variant is not present in population databases (ExAC no frequency). This sequence change affects an acceptor splice site in intron 38 of the COL1A1 gene. It is expected to disrupt RNA splicing. Variants that disrupt the donor or acceptor splice site typically lead to a loss of protein function (PMID: 16199547), and loss-of-function variants in COL1A1 are known to be pathogenic (PMID: 7942841, 9295084, 9443882). This variant has been observed in individual(s) with autosomal dominant osteogenesis imperfecta (PMID: 30886339).

Literature cited by the submitters: PubMed 16199547; PubMed 7942841; PubMed 9295084; PubMed 9443882; PubMed 30886339.